The following is an entry in ClinVar:

ClinVar aggregate classification (germline): Pathogenic. Review status: criteria provided, multiple submitters, no conflicts (2 of 4 stars). 2 submissions from 2 submitters: Pathogenic (2). Last evaluated 2024-12-09.

Conditions:
BEST1-related disorder. Also called: BEST1-related disorders; BEST1-related condition. Identifiers: MedGen CN239200.

Allele frequency attached by ClinVar (database versions not stated): TOPMed 0.00001.

Submissions (2):

Labcorp Genetics (formerly Invitae), Labcorp
Classification: Pathogenic. Last evaluated: 2024-12-09. Review status: criteria provided, single submitter. Criteria: Invitae Variant Classification Sherloc (09022015). Collection method: clinical testing. Allele origin: germline.
Comment: This sequence change replaces isoleucine, which is neutral and non-polar, with asparagine, which is neutral and polar, at codon 3 of the BEST1 protein (p.Ile3Asn). This variant is not present in population databases (gnomAD no frequency). This missense change has been observed in individuals with autosomal dominant BEST1-related conditions (PMID: 26099059; internal data). ClinVar contains an entry for this variant (Variation ID: 1503600). Invitae Evidence Modeling of protein sequence and biophysical properties (such as structural, functional, and spatial information, amino acid conservation, physicochemical variation, residue mobility, and thermodynamic stability) indicates that this missense variant is expected to disrupt BEST1 protein function with a positive predictive value of 95%. This variant disrupts the p.Ile3 amino acid residue in BEST1. Other variant(s) that disrupt this residue have been determined to be pathogenic (internal data). This suggests that this residue is clinically significant, and that variants that disrupt this residue are likely to be disease-causing. For these reasons, this variant has been classified as Pathogenic.

Blueprint Genetics
Classification: Pathogenic for BEST1-related disorders. Last evaluated: 2022-10-26. Review status: criteria provided, single submitter. Criteria: ACMG Guidelines, 2015. Collection method: clinical testing. Allele origin: germline. Affected: yes. Observed: 3 variant alleles.

Literature cited by the submitters: PubMed 26099059 (cited by Labcorp Genetics (formerly Invitae), Labcorp).

NM_004183.4(BEST1):c.8T>A (p.Ile3Asn)

Gene: BEST1 (bestrophin 1; plus strand). Cytogenetic location: 11q12.3.
Variant type: single nucleotide variant.
Coding change: c.8T>A on transcript NM_004183.4 (MANE Select); coding-DNA position 8, T replaced by A.
Protein change: p.Ile3Asn; replaces isoleucine 3 with asparagine.
Molecular consequence: missense variant. On other transcripts: non-coding transcript variant (1), intron variant (6).
Genome position (GRCh38, 1-based): chr11:61,951,814, T>A. VCF-style: chr11-61951814-T-A. GRCh37 (hg19) VCF-style: chr11-61719286-T-A.
Other names: c.8T>A, p.Ile3Asn (NM_001363592.2, NM_001440571.1, NM_001440572.1 and 1 more transcripts); c.-29+1387T>A (NM_001139443.3, NM_001300787.2, NM_001440574.1 and 3 more transcripts); short protein forms I3N.
Identifiers: ClinVar variation 1503600 (VCV001503600.7), dbSNP rs907161461, ClinGen allele CA222931095.